The following is an entry in ClinVar:

ClinVar aggregate classification (germline): Benign. Review status: criteria provided, multiple submitters, no conflicts (2 of 4 stars). 5 submissions from 5 submitters: Benign (4). 1 of the submissions does not count toward it. Last evaluated 2026-09-01.

Conditions:
VPS13C-related disorder. Also called: VPS13C-related condition.

Allele frequency attached by ClinVar (database versions not stated): gnomAD exomes 0.01888 and 0.01235; 1000 Genomes Project 0.00699; 1000 Genomes Project 30x 0.00781; ExAC 0.01174; TOPMed 0.01280; gnomAD 0.01344 and 0.01394; ESP Exome Variant Server 0.01538.
gnomAD v4.1: 29,555 of 1,613,974 alleles (1.8%); highest among the groups gnomAD compares: Non-Finnish European, 2.2%; 344 homozygotes.

Submissions (5):

CeGaT Center for Human Genetics Tuebingen
Classification: Benign. Last evaluated: 2026-09-01. Review status: criteria provided, single submitter. Criteria: CeGaT Center For Human Genetics Tuebingen Variant Classification Criteria Version 2. Collection method: clinical testing. Allele origin: germline. Affected: yes. Observed: 47 variant alleles.
Comment: VPS13C: BP4, BS1, BS2

Labcorp Genetics (formerly Invitae), Labcorp
Classification: Benign. Last evaluated: 2026-01-31. Review status: criteria provided, single submitter. Criteria: Invitae Variant Classification Sherloc (09022015). Collection method: clinical testing. Allele origin: germline.

Mayo Clinic Laboratories, Mayo Clinic
Classification: Benign. Last evaluated: 2023-02-23. Review status: criteria provided, single submitter. Criteria: ACMG Guidelines, 2015. Collection method: clinical testing. Allele origin: germline. Observed: 16 variant alleles.
Comment: BS1, BS2, BP4

Breakthrough Genomics
Classification: Benign. Review status: criteria provided, single submitter. Criteria: ACMG Guidelines, 2015. Collection method: not provided. Allele origin: germline. Inheritance: Autosomal recessive inheritance. Affected: yes.

PreventionGenetics, part of Exact Sciences
Classification: Benign for VPS13C-related condition. Last evaluated: 2024-03-20. Review status: no assertion criteria provided. Collection method: clinical testing. Allele origin: germline. Not counted in ClinVar's aggregate classification.
Comment: This variant is classified as benign based on ACMG/AMP sequence variant interpretation guidelines (Richards et al. 2015 PMID: 25741868, with internal and published modifications).

Literature cited by the submitters: PubMed 32707456 (cited by Mayo Clinic Laboratories, Mayo Clinic).

NM_020821.3(VPS13C):c.6024G>C (p.Glu2008Asp)

Gene: VPS13C (vacuolar protein sorting 13 homolog C; minus strand). Cytogenetic location: 15q22.2.
Variant type: single nucleotide variant.
Coding change: c.6024G>C on transcript NM_020821.3 (MANE Select); coding-DNA position 6024, G replaced by C.
Protein change: p.Glu2008Asp; replaces glutamic acid 2008 with aspartic acid.
Molecular consequence: missense variant.
Genome position (GRCh38, 1-based): chr15:61,931,104, C>G on the plus strand (G>C on the coding strand, the complement: VPS13C is on the minus strand). VCF-style: chr15-61931104-C-G. GRCh37 (hg19) VCF-style: chr15-62223303-C-G.
Other names: p.Glu2008Asp; c.6024G>C, p.Glu2008Asp (NM_001018088.3); c.5895G>C, p.Glu1965Asp (NM_017684.5, NM_018080.4); c.6024G>C (NM_020821.2); short protein forms E1965D, E2008D.
Identifiers: ClinVar variation 1571282 (VCV001571282.40), dbSNP rs78071599, ClinGen allele CA7595675.